The following is an entry in ClinVar:

NM_006361.6(HOXB13):c.501C>G (p.Asp167Glu)

Gene: HOXB13 (homeobox B13; minus strand). Cytogenetic location: 17q21.32.
Variant type: single nucleotide variant.
Coding change: c.501C>G on transcript NM_006361.6 (MANE Select); coding-DNA position 501, C replaced by G.
Protein change: p.Asp167Glu; replaces aspartic acid 167 with glutamic acid.
Molecular consequence: missense variant.
Genome position (GRCh38, 1-based): chr17:48,728,093, G>C on the plus strand (C>G on the coding strand, the complement: HOXB13 is on the minus strand). VCF-style: chr17-48728093-G-C. GRCh37 (hg19) VCF-style: chr17-46805455-G-C.
Other names: short protein forms D167E.
Identifiers: ClinVar variation 1346782 (VCV001346782.11), dbSNP rs2038231997, ClinGen allele CA400107324.
Genomic context (GRCh38, chr17:48,728,093, plus strand): 5'-TTCTCCCTGGCAACACATCTGGCTGTTCCAGCCACCAGCGAGAGCCCAAGACTGGTAACT[G>C]TCCACAGGCAACAGGGAGTCATGTCGCGGTTCTCCAGGAGCACCCAGAGTCTGCACCACA-3'
Protein context (NP_006352.2, residues 157-177): EPRHDSLLPV[Asp167Glu]SYQSWALAGG

ClinVar aggregate classification (germline): Uncertain significance. Review status: criteria provided, multiple submitters, no conflicts (2 of 4 stars). 2 submissions from 2 submitters: Uncertain significance (2). Last evaluated 2025-01-17.

Conditions:
Hereditary cancer-predisposing syndrome. Also called: Hereditary neoplastic syndrome; Tumor predisposition; Neoplastic Syndromes, Hereditary; Hereditary Cancer Syndrome. Identifiers: Orphanet 140162, MedGen C0027672, MeSH D009386, MONDO:0015356.

Allele frequency attached by ClinVar (database versions not stated): TOPMed below 0.00001; gnomAD 0.00001.
gnomAD v4.1: 1 of 1,614,092 alleles (0.000062%); highest among the groups gnomAD compares: Non-Finnish European, 0.000085%; no homozygotes.

Submissions (2):

Ambry Genetics
Classification: Uncertain significance for Hereditary cancer-predisposing syndrome. Last evaluated: 2025-01-17. Review status: criteria provided, single submitter. Criteria: Ambry Variant Classification Scheme 2023. Collection method: clinical testing. Allele origin: germline.
Comment: The p.D167E variant (also known as c.501C>G), located in coding exon 1 of the HOXB13 gene, results from a C to G substitution at nucleotide position 501. The aspartic acid at codon 167 is replaced by glutamic acid, an amino acid with highly similar properties. This amino acid position is conserved. In addition, the in silico prediction for this alteration is inconclusive. Since supporting evidence is limited at this time, the clinical significance of this alteration remains unclear.

Labcorp Genetics (formerly Invitae), Labcorp
Classification: Uncertain significance. Last evaluated: 2021-05-28. Review status: criteria provided, single submitter. Criteria: Invitae Variant Classification Sherloc (09022015). Collection method: clinical testing. Allele origin: germline.
Comment: In summary, the available evidence is currently insufficient to determine the role of this variant in disease. Therefore, it has been classified as a Variant of Uncertain Significance. Algorithms developed to predict the effect of missense changes on protein structure and function (SIFT, PolyPhen-2, Align-GVGD) all suggest that this variant is likely to be tolerated, but these predictions have not been confirmed by published functional studies and their clinical significance is uncertain. This variant has not been reported in the literature in individuals with HOXB13-related conditions. This variant is not present in population databases (ExAC no frequency). This sequence change replaces aspartic acid with glutamic acid at codon 167 of the HOXB13 protein (p.Asp167Glu). The aspartic acid residue is moderately conserved and there is a small physicochemical difference between aspartic acid and glutamic acid.